The following is an entry in ClinVar:

NM_007294.4(BRCA1):c.206_207delinsTG (p.Thr69Met)

Gene: BRCA1 (BRCA1 DNA repair associated; minus strand). Cytogenetic location: 17q21.31.
Variant type: Indel.
Coding change: c.206_207delinsTG on transcript NM_007294.4 (MANE Select); coding-DNA positions 206 to 207, CC replaced by TG.
Protein change: p.Thr69Met; replaces threonine 69 with methionine.
Molecular consequence: missense variant. On other transcripts: intron variant (95).
Genome position (GRCh38, 1-based): chr17:43,106,461-43,106,462, GG replaced by CA on the plus strand (CC replaced by TG on the coding strand, the reverse complement: BRCA1 is on the minus strand). VCF-style: chr17-43106461-GG-CA. GRCh37 (hg19) VCF-style: chr17-41258478-GG-CA.
Other names: c.206_207delinsTG, p.Thr69Met (NM_001407581.1, NM_001407582.1, NM_001407583.1 and 167 more transcripts); c.65_66delinsTG, p.Thr22Met (NM_001407692.1, NM_001407694.1, NM_001407695.1 and 99 more transcripts); c.-218-11602_-218-11601delinsTG (NM_001407967.1, NM_001407966.1); c.-169-1506_-169-1505delinsTG (NM_001407959.1, NM_001407962.1, NM_001408512.1 and 4 more transcripts); c.2+16_2+17delinsTG (NM_001407885.1, NM_001407886.1, NM_001407898.1 and 58 more transcripts); c.81-1506_81-1505delinsTG (NM_001408451.1); c.135-1506_135-1505delinsTG (NM_001408475.1, NM_001407875.1, NM_001407659.1 and 21 more transcripts); short protein forms T22M, T69M.
Identifiers: ClinVar variation 3336480 (VCV003336480.1).
Genomic context (GRCh38, chr17:43,106,461, plus strand): 5'-CTACTTTTTCCTACTGTGGTTGCTTCCAACCTAGCATCATTACCAAATTATATACCTTTT[GG>CA]TTATATCATTCTTACATAAAGGACACTGTGAAGGCCCTTTCTTCTGGTTGAGAAGTTTCA-3'
Protein context (NP_009225.1, residues 59-79): SQCPLCKNDI[Thr69Met]KRSLQESTRF

ClinVar aggregate classification (germline): Uncertain significance (1 of 4 stars; one submission).

Submission:

Women's Health and Genetics/Laboratory Corporation of America, LabCorp
Classification: Uncertain significance. Last evaluated: 2024-05-21. Review status: criteria provided, single submitter. Criteria: LabCorp Variant Classification Summary - May 2015. Collection method: clinical testing. Allele origin: germline.
Comment: Variant summary: BRCA1 c.206_207delinsTG (p.Thr69Met) results in a non-conservative amino acid change in the encoded protein sequence. Two of three in-silico tools predict a benign effect of the variant on protein function. The variant was absent in 281780 control chromosomes (gnomAD). The available data on variant occurrences in the general population are insufficient to allow any conclusion about variant significance. The variant, c.206_207delinsTG, has been reported in the literature in individual(s) affected with breast cancer (Azzollini 2016, Tinterri_2023), however a co-occurrence with another pathogenic variant was also noted (BRCA1 c.5266dupC, p.Q1756Pfs*74), providing supporting evidence for a benign role (Tinterri_2023). At least one publication reports experimental evidence evaluating an impact on protein function, demonstrating that the variant resulted in loss of Bard1 and Ubch5a binding in a bacterial expression system, however as other functional studies (e.g. homology directed repair [HDR] assay) were not performed, therefore this report does not allow convincing conclusions about the overall variant effect (Caleca 2019). The following publications have been ascertained in the context of this evaluation (PMID: 30696104, 27062684, 37627205). No submitters have cited clinical-significance assessments for this variant to ClinVar. Based on the evidence outlined above, the variant was classified as uncertain significance.

Literature cited by the submitters: PubMed 27062684; PubMed 30696104; PubMed 37627205.